The following is an entry in ClinVar:

ClinVar aggregate classification (germline): Benign/Likely benign. Review status: criteria provided, multiple submitters, no conflicts (2 of 4 stars). 3 submissions from 3 submitters: Benign (1); Likely benign (2). Last evaluated 2018-07-17.

Allele frequency attached by ClinVar (database versions not stated): gnomAD exomes 0.00113 and 0.00324; 1000 Genomes Project 30x 0.01483; 1000 Genomes Project 0.01538; ExAC 0.00420; gnomAD 0.01188 and 0.01262; TOPMed 0.01323; ESP Exome Variant Server 0.01407.
gnomAD v4.1: 3,531 of 1,612,918 alleles (0.22%); highest among the groups gnomAD compares: African/African-American, 4.1%; 60 homozygotes.

Submissions (3):

GeneDx
Classification: Likely benign. Last evaluated: 2018-07-17. Review status: criteria provided, single submitter. Criteria: GeneDx Variant Classification Process June 2021. Collection method: clinical testing. Allele origin: germline. Affected: yes.

Laboratory for Molecular Medicine, Mass General Brigham Personalized Medicine
Classification: Benign. Last evaluated: 2016-02-09. Review status: criteria provided, single submitter. Criteria: LMM Criteria. Collection method: clinical testing. Allele origin: germline. Observed: 7 variant alleles.
Comment: Pro460Pro in exon 10B of P2RX2: This variant is not expected to have clinical si gnificance because it does not alter an amino acid residue and is not located wi thin the splice consensus sequence. It has been identified in 4.5% (463/10136) ( 178/4406) of African chromosomes by the Exome Aggregation Consortium (ExAC; dbSNP rs114276183).

Breakthrough Genomics
Classification: Likely benign. Review status: criteria provided, single submitter. Criteria: ACMG Guidelines, 2015. Collection method: not provided. Allele origin: germline. Inheritance: Autosomal dominant inheritance. Affected: yes.

NM_170682.4(P2RX2):c.1302G>A (p.Pro434=)

Gene: P2RX2 (purinergic receptor P2X 2; plus strand). Cytogenetic location: 12q24.33.
Variant type: single nucleotide variant.
Coding change: c.1302G>A on transcript NM_170682.4 (MANE Select); coding-DNA position 1302, G replaced by A.
Protein change: p.Pro434=; no amino-acid change (proline 434 retained).
Molecular consequence: synonymous variant. On other transcripts: 3 prime UTR variant (1), intron variant (2).
Genome position (GRCh38, 1-based): chr12:132,621,858, G>A. VCF-style: chr12-132621858-G-A. GRCh37 (hg19) VCF-style: chr12-133198444-G-A.
Other names: c.*349G>A (NM_001282165.2); c.1086G>A, p.Pro362= (NM_012226.5); c.1230G>A, p.Pro410= (NM_016318.4); c.1380G>A, p.Pro460= (NM_170683.4); c.1026G>A, p.Pro342= (NM_174872.3); c.1141-40G>A (NM_174873.3); c.1039-40G>A (NM_001282164.2).
Identifiers: ClinVar variation 226979 (VCV000226979.8), dbSNP rs114276183, ClinGen allele CA6891889.
Genomic context (GRCh38, chr12:132,621,858, plus strand): 5'-CCCCAGCCCTCCATCAGGCCAGGAGGGCCAACAAGGGGCAGAGTGTGGCCCAGCCTTCCC[G>A]CCCCTGCGGCCTTGCCCCATCTCTGCCCCTTCTGAGCAGATGGTGGACACTCCTGCCTCC-3'
Protein context (NP_733782.1, residues 424-444): QQGAECGPAF[Pro434=]PLRPCPISAP